The following is an entry in ClinVar:

ClinVar aggregate classification (germline): Pathogenic. Review status: criteria provided, multiple submitters, no conflicts (2 of 4 stars). 5 submissions from 5 submitters: Pathogenic (4). 1 of the submissions does not count toward it. Last evaluated 2023-07-16.

Conditions:
Autism spectrum disorder. Also called: Autism spectrum disorders. Identifiers: MedGen C1510586, MeSH D000067877, MONDO:0005258.
Pitt-Hopkins syndrome (PTHS). Also called: ENCEPHALOPATHY, SEVERE EPILEPTIC, WITH AUTONOMIC DYSFUNCTION; MENTAL RETARDATION, SYNDROMAL, WITH INTERMITTENT HYPERVENTILATION. Identifiers: Orphanet 2896, MedGen C1970431, MONDO:0012589, OMIM 610954.

Submissions (5):

Victorian Clinical Genetics Services, Murdoch Childrens Research Institute
Classification: Pathogenic for Pitt-Hopkins syndrome. Last evaluated: 2023-07-16. Review status: criteria provided, single submitter. Criteria: ACMG Guidelines, 2015. Collection method: clinical testing. Allele origin: germline. Inheritance: Autosomal dominant inheritance. Affected: yes.
Comment: Based on the classification scheme VCGS_Germline_v1.3.4, this variant is classified as Pathogenic. Following criteria are met: 0102 - Loss of function is a known mechanism of disease in this gene and is associated with Pitt-Hopkins syndrome (MIM#610954). Fuchs endothelial corneal dystrophy (MIM#613267) is only caused by expanded CTG repeats (OMIM), with the mechanism unclear. (I) 0107 - This gene is associated with autosomal dominant disease. (I) 0201 - Variant is predicted to cause nonsense-mediated decay (NMD) and loss of protein (premature termination codon is located at least 54 nucleotides upstream of the final exon-exon junction). (SP) 0251 - This variant is heterozygous. (I) 0301 - Variant is absent from gnomAD (both v2 and v3). (SP) 0701 - Other NMD-predicted variants comparable to the one identified in this case have very strong previous evidence for pathogenicity (DECIPHER). (SP) 0801 - This variant has strong previous evidence of pathogenicity in unrelated individuals. This variant has been classified as pathogenic (ClinVar, LOVD) and observed in at least two de novo individuals with Pitt Hopkins syndrome (PMID: 22670824, PMID: 18728071). (SP) Legend: (SP) - Supporting pathogenic, (I) - Information, (SB) - Supporting benign

Revvity Omics, Revvity
Classification: Pathogenic. Last evaluated: 2023-03-06. Review status: criteria provided, single submitter. Criteria: ACMG Guidelines, 2015. Collection method: clinical testing. Allele origin: germline.

GeneDx
Classification: Pathogenic. Last evaluated: 2023-01-10. Review status: criteria provided, single submitter. Criteria: GeneDx Variant Classification Process June 2021. Collection method: clinical testing. Allele origin: germline. Affected: yes.
Comment: Nonsense variant predicted to result in protein truncation or nonsense mediated decay in a gene for which loss-of-function is a known mechanism of disease; Not observed at significant frequency in large population cohorts (gnomAD); This variant is associated with the following publications: (PMID: 18728071, 22460224, 30830316, 28807867, 24651015, 27535533, 36393831, 22670824)

Genetic Services Laboratory, University of Chicago
Classification: Pathogenic for Pitt-Hopkins syndrome. Last evaluated: 2013-02-08. Review status: criteria provided, single submitter. Criteria: ACMG Guidelines, 2007. Collection method: clinical testing. Allele origin: germline. Inheritance: Autosomal dominant inheritance. Affected: yes.

Gene Friend Way, National Innovation Center
Classification: Pathogenic for Autism spectrum disorder. Last evaluated: 2023-07-28. Review status: no assertion criteria provided. Collection method: clinical testing. Allele origin: unknown. Affected: yes. Observed: 1 variant allele. Not counted in ClinVar's aggregate classification.
Comment: Nonsense variant predicted to result in protein truncation or nonsense mediated decay. The loss-of-function is a known mechanism of disease. Individuals will exhibit developmental disorders. This variant is associated with the following publications: PMID: 18728071, 22460224, 30830316, 28807867, 24651015, 27535533, 36393831, 22670824). TCF4 gene variants have been associated with neuropsychiatric diseases such as schizophrenia, bipolar disorder, intellectual disability. TCF4 gene polymorphisms are linked to autism spectrum disorder (PMID: 36448207), Pitt-Hopkins Syndrome (PMID: 17478476, 17436254, 17436255, 728011).

Literature cited by the submitters: PubMed 18728071 (cited by Victorian Clinical Genetics Services, Murdoch Childrens Research Institute); PubMed 22670824 (cited by Victorian Clinical Genetics Services, Murdoch Childrens Research Institute).

NM_001083962.2(TCF4):c.469C>T (p.Arg157Ter)

Gene: TCF4 (transcription factor 4; minus strand). Cytogenetic location: 18q21.2.
Variant type: single nucleotide variant.
Coding change: c.469C>T on transcript NM_001083962.2 (MANE Select); coding-DNA position 469, C replaced by T.
Protein change: p.Arg157Ter; replaces arginine 157 with a stop codon.
Molecular consequence: nonsense.
Genome position (GRCh38, 1-based): chr18:55,350,904, G>A on the plus strand (C>T on the coding strand, the complement: TCF4 is on the minus strand). VCF-style: chr18-55350904-G-A. GRCh37 (hg19) VCF-style: chr18-53018135-G-A.
Other names: c.775C>T, p.Arg259Ter (NM_001243226.3); c.397C>T, p.Arg133Ter (NM_001243227.2, NM_001306207.1, NM_001348217.1 and 9 more transcripts); c.469C>T, p.Arg157Ter (NM_001243228.2, NM_001330604.3, NM_001369567.1 and 5 more transcripts); c.463C>T, p.Arg155Ter (NM_001243230.2); c.343C>T, p.Arg115Ter (NM_001243231.2, NM_001348211.2); c.256C>T, p.Arg86Ter (NM_001243232.1, NM_001306208.1); c.79C>T, p.Arg27Ter (NM_001243233.2, NM_001330605.3, NM_001348212.2 and 1 more transcripts); c.394C>T, p.Arg132Ter (NM_001348220.1, NM_001369581.1, NM_001369584.1 and 3 more transcripts); and 1 more; short protein forms R157*, R115*, R132*, R259*, R27*, R133*, R156*, R86*.
Identifiers: ClinVar variation 160085 (VCV000160085.14), dbSNP rs587784464, ClinGen allele CA272709.